The following is an entry in ClinVar:

NM_000059.4(BRCA2):c.7568dup (p.Lys2524fs)

Gene: BRCA2 (BRCA2 DNA repair associated; plus strand). Cytogenetic location: 13q13.1.
Variant type: Duplication.
Coding change: c.7568dup on transcript NM_000059.4 (MANE Select); coding-DNA position 7568, one base duplicated (T; older notation c.7568dupT).
Protein change: p.Lys2524fs; shifts the reading frame from lysine 2524.
Molecular consequence: frameshift variant.
Genome position (GRCh38, 1-based): chr13:32,356,560, T duplicated. VCF-style (leftmost placement, unchanged base first): chr13-32356559-C-CT. GRCh37 (hg19) VCF-style: chr13-32930696-C-CT.
Other names: c.7568dupT (NM_000059.3); short protein forms K2524fs.
Identifiers: ClinVar variation 632705 (VCV000632705.3), dbSNP rs1566242125, ClinGen allele CA913189209.

ClinVar aggregate classification (germline): Pathogenic/Likely pathogenic. Review status: criteria provided, multiple submitters, no conflicts (2 of 4 stars). 2 submissions from 2 submitters: Pathogenic (1); Likely pathogenic (1). Last evaluated 2021-03-04.

Conditions:
Hereditary breast ovarian cancer syndrome. Also called: Hereditary breast and ovarian cancer; Hereditary breast and ovarian cancer syndrome (HBOC); Breast and ovarian cancer; Hereditary breast and ovarian cancer syndrome; BRCA1- and BRCA2-Associated Hereditary Breast and Ovarian Cancer; Hereditary breast and/or ovarian cancer syndrome. Identifiers: Orphanet 145, MedGen C0677776, MeSH D061325, MONDO:0003582. Disease mechanism: loss of function.
Hereditary cancer-predisposing syndrome. Also called: Tumor predisposition; Neoplastic Syndromes, Hereditary; Hereditary neoplastic syndrome; Hereditary Cancer Syndrome. Identifiers: Orphanet 140162, MedGen C0027672, MeSH D009386, MONDO:0015356.

Submissions (2):

Ambry Genetics
Classification: Pathogenic for Hereditary cancer-predisposing syndrome. Last evaluated: 2021-03-04. Review status: criteria provided, single submitter. Criteria: Ambry Variant Classification Scheme 2023. Collection method: clinical testing. Allele origin: germline.
Comment: The c.7568dupT pathogenic mutation, located in coding exon 14 of the BRCA2 gene, results from a duplication of T at nucleotide position 7568, causing a translational frameshift with a predicted alternate stop codon (p.K2524Efs*15). This alteration has been reported as a germline finding in a patient affected with ovarian cancer (Jorge S et al. Gynecol Oncol, 2020 03;156:517-522). In addition to the clinical data presented in the literature, this alteration is expected to result in loss of function by premature protein truncation or nonsense-mediated mRNA decay. As such, this alteration is interpreted as a disease-causing mutation.

Women's Health and Genetics/Laboratory Corporation of America, LabCorp
Classification: Likely pathogenic for Hereditary breast and ovarian cancer syndrome. Last evaluated: 2018-05-09. Review status: criteria provided, single submitter. Criteria: LabCorp Variant Classification Summary - May 2015. Collection method: clinical testing. Allele origin: germline.
Comment: Variant summary: BRCA2 c.7568dupT (p.Lys2524GlufsX15) results in a premature termination codon, predicted to cause a truncation of the encoded protein or absence of the protein due to nonsense mediated decay, which are commonly known mechanisms for disease. Truncations downstream of this position have been classified as pathogenic by our laboratory (e.g. c.7673_7674delAG (p.Glu2558fsX7), c.7719dupA (p.Trp2574fsX10), c.7721G>A (p.Trp2574X)). The variant was absent in 120720 control chromosomes (in ExAC). To our knowledge, no occurrence of c.7568dupT in individuals affected with Hereditary Breast and Ovarian Cancer and no experimental evidence demonstrating its impact on protein function have been reported. No clinical diagnostic laboratories have submitted clinical-significance assessments for this variant to ClinVar after 2014. Based on the evidence outlined above, the variant was classified as likely pathogenic.

Literature cited by the submitters: PubMed 31883735 (cited by Ambry Genetics).